The following is an entry in ClinVar:

ClinVar aggregate classification (germline): Pathogenic (1 of 4 stars; one submission).

Submission:

GeneDx
Classification: Pathogenic. Last evaluated: 2022-12-05. Review status: criteria provided, single submitter. Criteria: GeneDx Variant Classification Process June 2021. Collection method: clinical testing. Allele origin: germline. Affected: yes.
Comment: Nonsense variant predicted to result in protein truncation or nonsense mediated decay in a gene for which loss of function is a known mechanism of disease; Not observed at significant frequency in large population cohorts (gnomAD); This variant is associated with the following publications: (PMID: 27835667)

NM_001009944.3(PKD1):c.445C>T (p.Gln149Ter)

Gene: PKD1 (polycystin 1, transient receptor potential channel interacting; minus strand). Cytogenetic location: 16p13.3.
Variant type: single nucleotide variant.
Coding change: c.445C>T on transcript NM_001009944.3 (MANE Select); coding-DNA position 445, C replaced by T.
Protein change: p.Gln149Ter; replaces glutamine 149 with a stop codon.
Molecular consequence: nonsense.
Genome position (GRCh38, 1-based): chr16:2,118,760, G>A on the plus strand (C>T on the coding strand, the complement: PKD1 is on the minus strand). VCF-style: chr16-2118760-G-A. GRCh37 (hg19) VCF-style: chr16-2168761-G-A.
Other names: c.445C>T, p.Gln149Ter (NM_000296.4); short protein forms Q149*.
Identifiers: ClinVar variation 2504222 (VCV002504222.1), dbSNP rs2544883033, ClinGen allele CA394395456.